The following is an entry in ClinVar:

NM_001211.6(BUB1B):c.1939A>G (p.Lys647Glu)

Gene: BUB1B (BUB1 mitotic checkpoint serine/threonine kinase B; plus strand). Cytogenetic location: 15q15.1.
Variant type: single nucleotide variant.
Coding change: c.1939A>G on transcript NM_001211.6 (MANE Select); coding-DNA position 1939, A replaced by G.
Protein change: p.Lys647Glu; replaces lysine 647 with glutamic acid.
Molecular consequence: missense variant.
Genome position (GRCh38, 1-based): chr15:40,206,388, A>G. VCF-style: chr15-40206388-A-G. GRCh37 (hg19) VCF-style: chr15-40498589-A-G.
Other names: short protein forms K647E.
Identifiers: ClinVar variation 2585910 (VCV002585910.2), dbSNP rs2542565050, ClinGen allele CA391692724.

ClinVar aggregate classification (germline): Uncertain significance (1 of 4 stars; one submission).

Conditions:
Inborn genetic diseases. Identifiers: MedGen C0950123, MeSH D030342.

Submission:

Ambry Genetics
Classification: Uncertain significance for Inborn genetic diseases. Last evaluated: 2023-07-05. Review status: criteria provided, single submitter. Criteria: Ambry Variant Classification Scheme 2023. Collection method: clinical testing. Allele origin: germline.
Comment: The p.K647E variant (also known as c.1939A>G), located in coding exon 15 of the BUB1B gene, results from an A to G substitution at nucleotide position 1939. The lysine at codon 647 is replaced by glutamic acid, an amino acid with similar properties. This amino acid position is conserved. In addition, this alteration is predicted to be tolerated by in silico analysis. Since supporting evidence is limited at this time, the clinical significance of this alteration remains unclear.